The following is an entry in ClinVar:

NM_001080414.4(CCDC88C):c.5177C>T (p.Thr1726Ile)

Gene: CCDC88C (coiled-coil and HOOK domain protein 88C; minus strand). Cytogenetic location: 14q32.11.
Variant type: single nucleotide variant.
Coding change: c.5177C>T on transcript NM_001080414.4 (MANE Select); coding-DNA position 5177, C replaced by T.
Protein change: p.Thr1726Ile; replaces threonine 1726 with isoleucine.
Molecular consequence: missense variant. On other transcripts: non-coding transcript variant (2).
Genome position (GRCh38, 1-based): chr14:91,273,535, G>A on the plus strand (C>T on the coding strand, the complement: CCDC88C is on the minus strand). VCF-style: chr14-91273535-G-A. GRCh37 (hg19) VCF-style: chr14-91739879-G-A.
Other names: c.5177C>T (NM_001080414.3); short protein forms T1726I.
Identifiers: ClinVar variation 3610455 (VCV003610455.3).

ClinVar aggregate classification (germline): Uncertain significance. Review status: criteria provided, multiple submitters, no conflicts (2 of 4 stars). 2 submissions from 2 submitters: Uncertain significance (2). Last evaluated 2025-08-31.

Conditions:
Inborn genetic diseases. Identifiers: MedGen C0950123, MeSH D030342.

gnomAD v4.1: 118 of 1,524,394 alleles (0.0077%); highest among the groups gnomAD compares: Non-Finnish European, 0.01%; no homozygotes.

Submissions (2):

Ambry Genetics
Classification: Uncertain significance for Inborn genetic diseases. Last evaluated: 2025-08-31. Review status: criteria provided, single submitter. Criteria: Ambry Variant Classification Scheme 2023. Collection method: clinical testing. Allele origin: germline.

Labcorp Genetics (formerly Invitae), Labcorp
Classification: Uncertain significance. Last evaluated: 2024-03-27. Review status: criteria provided, single submitter. Criteria: Invitae Variant Classification Sherloc (09022015). Collection method: clinical testing. Allele origin: germline.
Comment: This sequence change replaces threonine, which is neutral and polar, with isoleucine, which is neutral and non-polar, at codon 1726 of the CCDC88C protein (p.Thr1726Ile). This variant is present in population databases (rs201467365, gnomAD 0.02%). This variant has not been reported in the literature in individuals affected with CCDC88C-related conditions. An algorithm developed to predict the effect of missense changes on protein structure and function (PolyPhen-2) suggests that this variant is likely to be tolerated. In summary, the available evidence is currently insufficient to determine the role of this variant in disease. Therefore, it has been classified as a Variant of Uncertain Significance.